The following is an entry in ClinVar:

NM_000038.6(APC):c.6689T>C (p.Met2230Thr)

Gene: APC (APC regulator of Wnt signaling pathway; plus strand). Cytogenetic location: 5q22.2.
Variant type: single nucleotide variant.
Coding change: c.6689T>C on transcript NM_000038.6 (MANE Select); coding-DNA position 6689, T replaced by C.
Protein change: p.Met2230Thr; replaces methionine 2230 with threonine.
Molecular consequence: missense variant.
Genome position (GRCh38, 1-based): chr5:112,842,283, T>C. VCF-style: chr5-112842283-T-C. GRCh37 (hg19) VCF-style: chr5-112177980-T-C.
Other names: c.6689T>C, p.Met2230Thr (NM_001407450.1, NM_001127510.3, NM_001354895.2); c.6668T>C, p.Met2223Thr (NM_001407451.1); c.6659T>C, p.Met2220Thr (NM_001407452.1); c.6512T>C, p.Met2171Thr (NM_001407453.1, NM_001354901.2); c.6440T>C, p.Met2147Thr (NM_001407454.1, NM_001407455.1, NM_001407456.1 and 1 more transcripts); c.6386T>C, p.Met2129Thr (NM_001407458.1, NM_001407459.1, NM_001407460.1 and 1 more transcripts); c.6302T>C, p.Met2101Thr (NM_001407467.1, NM_001407469.1); c.5840T>C, p.Met1947Thr (NM_001407470.1, NM_001354906.2); and 11 more; short protein forms M1947T, M2101T, M2129T, M2171T, M2205T, M2230T, M2104T, M2220T.
Identifiers: ClinVar variation 2128277 (VCV002128277.4), dbSNP rs2149970733, ClinGen allele CA16035953.
Genomic context (GRCh38, chr5:112,842,283, plus strand): 5'-CAGGCCAAATGAAACAGCCCCTTCAAGCAAACATGCCTTCAATCTCTCGAGGCAGGACAA[T>C]GATTCATATTCCAGGAGTTCGAAATAGCTCCTCAAGTACAAGTCCTGTTTCTAAAAAAGG-3'
Protein context (NP_000029.2, residues 2220-2240): NMPSISRGRT[Met2230Thr]IHIPGVRNSS

ClinVar aggregate classification (germline): Uncertain significance (1 of 4 stars; one submission).

Conditions:
Familial adenomatous polyposis 1 (FAP1). Also called: POLYPOSIS, ADENOMATOUS INTESTINAL; FAMILIAL ADENOMATOUS POLYPOSIS 1, ATTENUATED. Identifiers: MedGen C2713442, MONDO:0021056, OMIM 175100. Disease mechanism: loss of function.

Submission:

Labcorp Genetics (formerly Invitae), Labcorp
Classification: Uncertain significance for Familial adenomatous polyposis 1. Last evaluated: 2022-04-20. Review status: criteria provided, single submitter. Criteria: Invitae Variant Classification Sherloc (09022015). Collection method: clinical testing. Allele origin: germline.
Comment: In summary, the available evidence is currently insufficient to determine the role of this variant in disease. Therefore, it has been classified as a Variant of Uncertain Significance. Algorithms developed to predict the effect of missense changes on protein structure and function (SIFT, PolyPhen-2, Align-GVGD) all suggest that this variant is likely to be disruptive. This variant has not been reported in the literature in individuals affected with APC-related conditions. This variant is not present in population databases (gnomAD no frequency). This sequence change replaces methionine, which is neutral and non-polar, with threonine, which is neutral and polar, at codon 2230 of the APC protein (p.Met2230Thr).